The following is an entry in ClinVar:

ClinVar aggregate classification (germline): Uncertain significance (1 of 4 stars; one submission).

Allele frequency attached by ClinVar (database versions not stated): gnomAD exomes below 0.00001.
gnomAD v4.1: 1 of 1,551,798 alleles (0.000064%); highest among the groups gnomAD compares: Non-Finnish European, 0.000087%; no homozygotes.

Submission:

Labcorp Genetics (formerly Invitae), Labcorp
Classification: Uncertain significance. Last evaluated: 2021-09-01. Review status: criteria provided, single submitter. Criteria: Invitae Variant Classification Sherloc (09022015). Collection method: clinical testing. Allele origin: germline.
Comment: This sequence change replaces aspartic acid with histidine at codon 2261 of the EYS protein (p.Asp2261His). The aspartic acid residue is moderately conserved and there is a moderate physicochemical difference between aspartic acid and histidine. This variant is not present in population databases (ExAC no frequency). This variant has not been reported in the literature in individuals affected with EYS-related conditions. Algorithms developed to predict the effect of missense changes on protein structure and function (SIFT, PolyPhen-2, Align-GVGD) all suggest that this variant is likely to be disruptive. In summary, the available evidence is currently insufficient to determine the role of this variant in disease. Therefore, it has been classified as a Variant of Uncertain Significance.

NM_001142800.2(EYS):c.6781G>C (p.Asp2261His)

Gene: EYS (eyes shut homolog; minus strand). Cytogenetic location: 6q12.
Variant type: single nucleotide variant.
Coding change: c.6781G>C on transcript NM_001142800.2 (MANE Select); coding-DNA position 6781, G replaced by C.
Protein change: p.Asp2261His; replaces aspartic acid 2261 with histidine.
Molecular consequence: missense variant.
Genome position (GRCh38, 1-based): chr6:63,999,128, C>G on the plus strand (G>C on the coding strand, the complement: EYS is on the minus strand). VCF-style: chr6-63999128-C-G. GRCh37 (hg19) VCF-style: chr6-64709021-C-G.
Other names: c.6781G>C, p.Asp2261His (NM_001292009.2); short protein forms D2261H.
Identifiers: ClinVar variation 961214 (VCV000961214.7), dbSNP rs1005440976, ClinGen allele CA364389672.